The following is an entry in ClinVar:

Conditions:
Arteriohepatic dysplasia. Also called: Alagille Syndrome. Identifiers: Orphanet 52, MedGen C0085280, MeSH D016738, MONDO:0007318.

Submission:

Gilbert/Spinner Lab, Children's Hospital of Philadelphia
No classification provided (evidence only). Condition: Alagille syndrome. Review status: no classification provided. Collection method: research. Allele origin: not applicable. Functional consequence: functionally_abnormal.
ClinVar note: "not provided" was previously submitted as the classification for the variant. However, the classification appeared to be based only on an observation of functional data so it was converted to no classification on 2025-07-30.

NM_000214.3(JAG1):c.541T>G (p.Tyr181Asp)

Gene: JAG1 (jagged canonical Notch ligand 1; minus strand). Cytogenetic location: 20p12.2.
Variant type: single nucleotide variant.
Coding change: c.541T>G on transcript NM_000214.3 (MANE Select); coding-DNA position 541, T replaced by G.
Protein change: p.Tyr181Asp; replaces tyrosine 181 with aspartic acid.
Molecular consequence: missense variant.
Genome position (GRCh38, 1-based): chr20:10,658,621, A>C on the plus strand (T>G on the coding strand, the complement: JAG1 is on the minus strand). VCF-style: chr20-10658621-A-C. GRCh37 (hg19) VCF-style: chr20-10639269-A-C.
Other names: short protein forms Y181D.
Identifiers: ClinVar variation 3573053 (VCV003573053.2).